The following is an entry in ClinVar:

NM_152381.6(XIRP2):c.5574G>A (p.Thr1858=)

Gene: XIRP2 (xin actin binding repeat containing 2; plus strand). Cytogenetic location: 2q24.3.
Variant type: single nucleotide variant.
Coding change: c.5574G>A on transcript NM_152381.6 (MANE Select); coding-DNA position 5574, G replaced by A.
Protein change: p.Thr1858=; no amino-acid change (threonine 1858 retained).
Molecular consequence: synonymous variant. On other transcripts: intron variant (3).
Genome position (GRCh38, 1-based): chr2:167,246,966, G>A. VCF-style: chr2-167246966-G-A. GRCh37 (hg19) VCF-style: chr2-168103476-G-A.
Other names: c.4908G>A, p.Thr1636= (NM_001199144.2); c.1275+5056G>A (NM_001199143.2); c.1176+5056G>A (NM_001079810.4); c.510+5056G>A (NM_001199145.2).
Identifiers: ClinVar variation 3052804 (VCV003052804.2), dbSNP rs202066016, ClinGen allele CA1947246.

ClinVar aggregate classification (germline): Benign (0 of 4 stars; one submission).

Conditions:
XIRP2-related disorder. Also called: XIRP2-related condition.

Allele frequency attached by ClinVar (database versions not stated): 1000 Genomes Project 30x 0.00016; 1000 Genomes Project 0.00020; gnomAD exomes 0.00035; gnomAD 0.00042; ExAC 0.00058; ESP Exome Variant Server 0.00084.
gnomAD v4.1: 613 of 1,613,370 alleles (0.038%); highest among the groups gnomAD compares: Middle Eastern, 0.05%; 1 homozygote.

Submission:

PreventionGenetics, part of Exact Sciences
Classification: Benign for XIRP2-related condition. Last evaluated: 2019-09-06. Review status: no assertion criteria provided. Collection method: clinical testing. Allele origin: germline.
Comment: This variant is classified as benign based on ACMG/AMP sequence variant interpretation guidelines (Richards et al. 2015 PMID: 25741868, with internal and published modifications).